The following is an entry in ClinVar:

NM_206933.4(USH2A):c.5376G>T (p.Gly1792=)

Genes: USH2A (usherin; minus strand), USH2A-AS2 (USH2A antisense RNA 2; plus strand). Cytogenetic location: 1q41.
Variant type: single nucleotide variant.
Coding change: c.5376G>T on transcript NM_206933.4 (MANE Select); coding-DNA position 5376, G replaced by T.
Protein change: p.Gly1792=; no amino-acid change (glycine 1792 retained).
Molecular consequence: synonymous variant.
Genome position (GRCh38, 1-based): chr1:216,078,285, C>A on the plus strand (G>T on the coding strand, the complement: USH2A is on the minus strand). VCF-style: chr1-216078285-C-A. GRCh37 (hg19) VCF-style: chr1-216251627-C-A.
Identifiers: ClinVar variation 2639898 (VCV002639898.24), dbSNP rs2031822905, ClinGen allele CA423431220.
Genomic context (GRCh38, chr1:216,078,285, plus strand): 5'-TATGAAAGAGCCTTCCTTTTTAATAATGACTTTATTCCACTTTCCATTACAATAGGATAG[C>A]CCCAGCAATAGATCCACTTGTGTAAAGGCAAGACTGGTATTTAACCGGAAGGTCAATATT-3'
Protein context (NP_996816.3, residues 1782-1802): LAFTQVDLLL[Gly1792=]LSYCNGKWNK

ClinVar aggregate classification (germline): Likely benign (1 of 4 stars; one submission).

Submission:

CeGaT Center for Human Genetics Tuebingen
Classification: Likely benign. Last evaluated: 2022-05-01. Review status: criteria provided, single submitter. Criteria: CeGaT Center For Human Genetics Tuebingen Variant Classification Criteria Version 2. Collection method: clinical testing. Allele origin: germline. Affected: yes. Observed: 1 variant allele.
Comment: USH2A: PM2:Supporting, BP4, BP7